The following is an entry in ClinVar:

NC_000008.11:g.144515241CT[1]

Gene: RECQL4 (RecQ like helicase 4; minus strand). Cytogenetic location: 8q24.3.
Variant type: Microsatellite.
Genome position: GRCh38 VCF-style: chr8-144515239-GTC-G. GRCh37 (hg19) VCF-style: chr8-145740623-GTC-G.
Identifiers: ClinVar variation 1966892 (VCV001966892.6), dbSNP rs776743331, ClinGen allele CA4948871.
Genomic context (GRCh38, chr8:144,515,239, plus strand): 5'-TGCCCAGGGCGAAAGGCTTGGTGCCCCAGCTGCTCCAGGGCCTGGAACACCTCAGCCGGC[GTC>G]TCTGCAGACACAGATGTTGATCACCATGACTTGAGTCACCCCAACCCCTCAGTGAAGGCT-3'

ClinVar aggregate classification (germline): Pathogenic (1 of 4 stars; one submission).

Conditions:
Baller-Gerold syndrome (BGS). Also called: CRANIOSYNOSTOSIS WITH RADIAL DEFECTS. Identifiers: Orphanet 1225, MedGen C0265308, MONDO:0009039, OMIM 218600.

Submission:

Labcorp Genetics (formerly Invitae), Labcorp
Classification: Pathogenic for Baller-Gerold syndrome. Last evaluated: 2023-06-15. Review status: criteria provided, single submitter. Criteria: Invitae Variant Classification Sherloc (09022015). Collection method: clinical testing. Allele origin: germline.
Comment: Algorithms developed to predict the effect of sequence changes on RNA splicing suggest that this variant may disrupt the consensus splice site. This variant has not been reported in the literature in individuals affected with RECQL4-related conditions. This variant is not present in population databases (gnomAD no frequency). This sequence change creates a premature translational stop signal (p.Glu464Aspfs*4) in the RECQL4 gene. It is expected to result in an absent or disrupted protein product. Loss-of-function variants in RECQL4 are known to be pathogenic (PMID: 12734318, 12952869). For these reasons, this variant has been classified as Pathogenic.

Literature cited by the submitters: PubMed 12734318; PubMed 12952869.